The following is an entry in ClinVar:

NM_001382.4(DPAGT1):c.103C>T (p.His35Tyr)

Genes: DPAGT1 (dolichyl-phosphate N-acetylglucosaminephosphotransferase 1; minus strand), LOC126861360 (BRD4-independent group 4 enhancer GRCh37_chr11:118972216-118973415; plus strand). Cytogenetic location: 11q23.3.
Variant type: single nucleotide variant.
Coding change: c.103C>T on transcript NM_001382.4 (MANE Select); coding-DNA position 103, C replaced by T.
Protein change: p.His35Tyr; replaces histidine 35 with tyrosine.
Molecular consequence: missense variant.
Genome position (GRCh38, 1-based): chr11:119,101,553, G>A on the plus strand (C>T on the coding strand, the complement: DPAGT1 is on the minus strand). VCF-style: chr11-119101553-G-A. GRCh37 (hg19) VCF-style: chr11-118972263-G-A.
Other names: short protein forms H35Y.
Identifiers: ClinVar variation 1964476 (VCV001964476.5), dbSNP rs1946508602, ClinGen allele CA382916765.

ClinVar aggregate classification (germline): Uncertain significance (1 of 4 stars; one submission).

Conditions:
Congenital myasthenic syndrome 13 (CMS13). Also called: Myasthenic syndrome, congenital, with tubular aggregates 2; Myasthenic syndrome, congenital, 13, with tubular aggregates. Identifiers: Orphanet 353327, Orphanet 590, MedGen C3553645, MONDO:0013883, OMIM 614750.
DPAGT1-congenital disorder of glycosylation. Also called: DPAGT1-CDG; CDG Ij; CONGENITAL DISORDER OF GLYCOSYLATION, TYPE Ij. Identifiers: Orphanet 86309, MedGen C2931004, MONDO:0011964, OMIM 608093.

Allele frequency attached by ClinVar (database versions not stated): TOPMed below 0.00001; gnomAD exomes 0.00001.

Submission:

Labcorp Genetics (formerly Invitae), Labcorp
Classification: Uncertain significance for Congenital myasthenic syndrome 13; DPAGT1-congenital disorder of glycosylation. Last evaluated: 2024-10-28. Review status: criteria provided, single submitter. Criteria: Invitae Variant Classification Sherloc (09022015). Collection method: clinical testing. Allele origin: germline.
Comment: This sequence change replaces histidine, which is basic and polar, with tyrosine, which is neutral and polar, at codon 35 of the DPAGT1 protein (p.His35Tyr). This variant is not present in population databases (gnomAD no frequency). This variant has not been reported in the literature in individuals affected with DPAGT1-related conditions. ClinVar contains an entry for this variant (Variation ID: 1964476). Invitae Evidence Modeling of protein sequence and biophysical properties (such as structural, functional, and spatial information, amino acid conservation, physicochemical variation, residue mobility, and thermodynamic stability) indicates that this missense variant is not expected to disrupt DPAGT1 protein function with a negative predictive value of 80%. In summary, the available evidence is currently insufficient to determine the role of this variant in disease. Therefore, it has been classified as a Variant of Uncertain Significance.